The following is an entry in ClinVar:

ClinVar aggregate classification (germline): Uncertain significance (1 of 4 stars; one submission).

Conditions:
MHC class II deficiency. Also called: BLS, TYPE II; Bare lymphocyte syndrome 2. Identifiers: Orphanet 572, MedGen C5447452, MONDO:0008855.

Submission:

Labcorp Genetics (formerly Invitae), Labcorp
Classification: Uncertain significance for MHC class II deficiency. Last evaluated: 2022-07-05. Review status: criteria provided, single submitter. Criteria: Invitae Variant Classification Sherloc (09022015). Collection method: clinical testing. Allele origin: germline.
Comment: In summary, the available evidence is currently insufficient to determine the role of this variant in disease. Therefore, it has been classified as a Variant of Uncertain Significance. Algorithms developed to predict the effect of missense changes on protein structure and function are either unavailable or do not agree on the potential impact of this missense change (SIFT: "Deleterious"; PolyPhen-2: "Probably Damaging"; Align-GVGD: "Class C0"). ClinVar contains an entry for this variant (Variation ID: 528785). This variant has not been reported in the literature in individuals affected with CIITA-related conditions. This variant is not present in population databases (gnomAD no frequency). This sequence change replaces glutamic acid, which is acidic and polar, with lysine, which is basic and polar, at codon 1118 of the CIITA protein (p.Glu1118Lys).

NM_000246.4(CIITA):c.3352G>A (p.Glu1118Lys)

Gene: CIITA (class II major histocompatibility complex transactivator; plus strand). Cytogenetic location: 16p13.13.
Variant type: single nucleotide variant.
Coding change: c.3352G>A on transcript NM_000246.4 (MANE Select); coding-DNA position 3352, G replaced by A.
Protein change: p.Glu1118Lys; replaces glutamic acid 1118 with lysine.
Molecular consequence: missense variant. On other transcripts: non-coding transcript variant (1).
Genome position (GRCh38, 1-based): chr16:10,923,262, G>A. VCF-style: chr16-10923262-G-A. GRCh37 (hg19) VCF-style: chr16-11017119-G-A.
Other names: c.3355G>A, p.Glu1119Lys (NM_001286402.1, NM_001379332.1); c.1600G>A, p.Glu534Lys (NM_001286403.2); c.3208G>A, p.Glu1070Lys (NM_001379330.1); c.3205G>A, p.Glu1069Lys (NM_001379331.1); c.3352G>A, p.Glu1118Lys (NM_001379333.1); c.3283G>A, p.Glu1095Lys (NM_001379334.1); short protein forms E1118K, E1119K, E534K, E1069K, E1070K, E1095K.
Identifiers: ClinVar variation 528785 (VCV000528785.8), dbSNP rs1555509348, ClinGen allele CA394724636.